The following is an entry in ClinVar:

NM_033419.5(PGAP3):c.205A>T (p.Lys69Ter)

Gene: PGAP3 (post-GPI attachment to proteins phospholipase 3; minus strand). Cytogenetic location: 17q12.
Variant type: single nucleotide variant.
Coding change: c.205A>T on transcript NM_033419.5 (MANE Select); coding-DNA position 205, A replaced by T.
Protein change: p.Lys69Ter; replaces lysine 69 with a stop codon.
Molecular consequence: nonsense.
Genome position (GRCh38, 1-based): chr17:39,685,996, T>A on the plus strand (A>T on the coding strand, the complement: PGAP3 is on the minus strand). VCF-style: chr17-39685996-T-A. GRCh37 (hg19) VCF-style: chr17-37842249-T-A.
Other names: c.205A>T, p.Lys69Ter (NM_001291726.2, NM_001291728.2, NM_001291730.2 and 2 more transcripts); short protein forms K69*.
Identifiers: ClinVar variation 2227732 (VCV002227732.2), dbSNP rs2543809993, ClinGen allele CA399261243.

ClinVar aggregate classification (germline): Pathogenic (1 of 4 stars; one submission).

Conditions:
Inborn genetic diseases. Identifiers: MedGen C0950123, MeSH D030342.

Allele frequency attached by ClinVar (database versions not stated): gnomAD exomes below 0.00001.
gnomAD v4.1: 2 of 1,613,144 alleles (0.00012%); highest among the groups gnomAD compares: Non-Finnish European, 0.00017%; no homozygotes.

Submission:

Ambry Genetics
Classification: Pathogenic for Inborn genetic diseases. Last evaluated: 2020-10-14. Review status: criteria provided, single submitter. Criteria: Ambry Variant Classification Scheme 2023. Collection method: clinical testing. Allele origin: germline.
Comment: The c.205A>T (p.K69*) alteration, located in coding exon 2 of the PGAP3 gene, consists of an A to T substitution at nucleotide position 205. This changes the amino acid from a lysine (K) to a stop codon at amino acid position 69. This alteration is expected to result in loss of function by premature protein truncation or nonsense-mediated mRNA decay. Based on the available evidence, this alteration is classified as pathogenic.